The following is an entry in ClinVar:

NM_017671.5(FERMT1):c.1762A>G (p.Asn588Asp)

Gene: FERMT1 (FERM domain containing kindlin 1; minus strand). Cytogenetic location: 20p12.3.
Variant type: single nucleotide variant.
Coding change: c.1762A>G on transcript NM_017671.5 (MANE Select); coding-DNA position 1762, A replaced by G.
Protein change: p.Asn588Asp; replaces asparagine 588 with aspartic acid.
Molecular consequence: missense variant.
Genome position (GRCh38, 1-based): chr20:6,079,534, T>C on the plus strand (A>G on the coding strand, the complement: FERMT1 is on the minus strand). VCF-style: chr20-6079534-T-C. GRCh37 (hg19) VCF-style: chr20-6060181-T-C.
Other names: c.1762A>G (NM_017671.4); short protein forms N588D.
Identifiers: ClinVar variation 1646169 (VCV001646169.11), dbSNP rs185314931, ClinGen allele CA9758038.

ClinVar aggregate classification (germline): Benign/Likely benign. Review status: criteria provided, multiple submitters, no conflicts (2 of 4 stars). 3 submissions from 3 submitters: Benign (1); Likely benign (1). 1 of the submissions does not count toward it. Last evaluated 2026-01-22.

Conditions:
FERMT1-related disorder. Also called: FERMT1-related condition.

Allele frequency attached by ClinVar (database versions not stated): gnomAD exomes 0.00013 and 0.00052; gnomAD 0.00014 and 0.00021; TOPMed 0.00022; ExAC 0.00040; 1000 Genomes Project 0.00160; 1000 Genomes Project 30x 0.00172.
gnomAD v4.1: 240 of 1,614,000 alleles (0.015%); highest among the groups gnomAD compares: East Asian, 0.36%; 1 homozygote.

Submissions (3):

Labcorp Genetics (formerly Invitae), Labcorp
Classification: Benign. Last evaluated: 2026-01-22. Review status: criteria provided, single submitter. Criteria: Invitae Variant Classification Sherloc (09022015). Collection method: clinical testing. Allele origin: germline.

Blueprint Genetics
Classification: Likely benign. Last evaluated: 2024-10-22. Review status: criteria provided, single submitter. Criteria: ACMG Guidelines, 2015. Collection method: clinical testing. Allele origin: germline.

PreventionGenetics, part of Exact Sciences
Classification: Likely benign for FERMT1-related condition. Last evaluated: 2020-08-11. Review status: no assertion criteria provided. Collection method: clinical testing. Allele origin: germline. Not counted in ClinVar's aggregate classification.
Comment: This variant is classified as likely benign based on ACMG/AMP sequence variant interpretation guidelines (Richards et al. 2015 PMID: 25741868, with internal and published modifications).